The following is an entry in ClinVar:

NM_018263.6(ASXL2):c.2885T>C (p.Val962Ala)

Gene: ASXL2 (ASXL transcriptional regulator 2; minus strand). Cytogenetic location: 2p23.3.
Variant type: single nucleotide variant.
Coding change: c.2885T>C on transcript NM_018263.6 (MANE Select); coding-DNA position 2885, T replaced by C.
Protein change: p.Val962Ala; replaces valine 962 with alanine.
Molecular consequence: missense variant.
Genome position (GRCh38, 1-based): chr2:25,743,452, A>G on the plus strand (T>C on the coding strand, the complement: ASXL2 is on the minus strand). VCF-style: chr2-25743452-A-G. GRCh37 (hg19) VCF-style: chr2-25966321-A-G.
Other names: c.2711T>C, p.Val904Ala (NM_001369346.1); c.2105T>C, p.Val702Ala (NM_001369347.1); short protein forms V702A, V962A, V904A.
Identifiers: ClinVar variation 4999916 (VCV004999916.1).

ClinVar aggregate classification (germline): Uncertain significance (1 of 4 stars; one submission).

Conditions:
ASXL2-related disorder. Also called: ASXL2-related condition.

gnomAD v4.1: 1 of 1,613,868 alleles (0.000062%); highest among the groups gnomAD compares: East Asian, 0.0022%; no homozygotes.

Submission:

PreventionGenetics, part of Exact Sciences
Classification: Uncertain significance for ASXL2-related condition. Last evaluated: 2025-07-16. Review status: criteria provided, single submitter. Criteria: ACMG Guidelines, 2015. Collection method: clinical testing. Allele origin: germline.
Comment: The ASXL2 c.2885T>C variant is predicted to result in the amino acid substitution p.Val962Ala. To our knowledge, this variant has not been reported in the literature or in a large population database (gnomAD), indicating this variant is rare. At this time, the clinical significance of this variant is uncertain due to the absence of conclusive functional and genetic evidence.